The following is an entry in ClinVar:

ClinVar aggregate classification (germline): Conflicting classifications of pathogenicity. Review status: criteria provided, conflicting classifications (1 of 4 stars). 2 submissions from 2 submitters: Uncertain significance (1); Likely benign (1). Last evaluated 2025-08-27.

Conditions:
Brugada syndrome. Also called: Sudden Unexplained Death Syndrome; Sudden Unexplained Nocturnal Death Syndrome (SUNDS); Sudden unexpected nocturnal death syndrome; Sudden unexplained nocturnal death syndrome. Identifiers: Orphanet 130, MedGen C1142166, MONDO:0015263.
Cardiovascular phenotype. Identifiers: MedGen CN230736.

Allele frequency attached by ClinVar (database versions not stated): gnomAD 0.00001 and 0.00002; TOPMed 0.00003; gnomAD exomes 0.00004; ExAC 0.00006; ESP Exome Variant Server 0.00008.
gnomAD v4.1: 61 of 1,614,064 alleles (0.0038%); highest among the groups gnomAD compares: South Asian, 0.033%; 1 homozygote.

Submissions (2):

Labcorp Genetics (formerly Invitae), Labcorp
Classification: Uncertain significance for Brugada syndrome. Last evaluated: 2025-08-27. Review status: criteria provided, single submitter. Criteria: Invitae Variant Classification Sherloc (09022015). Collection method: clinical testing. Allele origin: germline.
Comment: This sequence change replaces proline, which is neutral and non-polar, with leucine, which is neutral and non-polar, at codon 901 of the SCN10A protein (p.Pro901Leu). This variant is present in population databases (rs370965011, gnomAD 0.03%). This variant has not been reported in the literature in individuals affected with SCN10A-related conditions. ClinVar contains an entry for this variant (Variation ID: 848240). Invitae Evidence Modeling of protein sequence and biophysical properties (such as structural, functional, and spatial information, amino acid conservation, physicochemical variation, residue mobility, and thermodynamic stability) indicates that this missense variant is not expected to disrupt SCN10A protein function with a negative predictive value of 80%. In summary, the available evidence is currently insufficient to determine the role of this variant in disease. Therefore, it has been classified as a Variant of Uncertain Significance.

Ambry Genetics
Classification: Likely benign for Cardiovascular phenotype. Last evaluated: 2021-04-15. Review status: criteria provided, single submitter. Criteria: Ambry Variant Classification Scheme 2023. Collection method: clinical testing. Allele origin: germline.

NM_006514.4(SCN10A):c.2702C>T (p.Pro901Leu)

Gene: SCN10A (sodium voltage-gated channel alpha subunit 10; minus strand). Cytogenetic location: 3p22.2.
Variant type: single nucleotide variant.
Coding change: c.2702C>T on transcript NM_006514.4 (MANE Select); coding-DNA position 2702, C replaced by T.
Protein change: p.Pro901Leu; replaces proline 901 with leucine.
Molecular consequence: missense variant.
Genome position (GRCh38, 1-based): chr3:38,726,991, G>A on the plus strand (C>T on the coding strand, the complement: SCN10A is on the minus strand). VCF-style: chr3-38726991-G-A. GRCh37 (hg19) VCF-style: chr3-38768482-G-A.
Other names: c.2702C>T, p.Pro901Leu (NM_001293306.2); c.2408C>T, p.Pro803Leu (NM_001293307.2); short protein forms P901L, P803L.
Identifiers: ClinVar variation 848240 (VCV000848240.7), dbSNP rs370965011, ClinGen allele CA2320453.